The following is an entry in ClinVar:

NM_000059.4(BRCA2):c.9013A>G (p.Arg3005Gly)

Gene: BRCA2 (BRCA2 DNA repair associated; plus strand). Cytogenetic location: 13q13.1.
Variant type: single nucleotide variant.
Coding change: c.9013A>G on transcript NM_000059.4 (MANE Select); coding-DNA position 9013, A replaced by G.
Protein change: p.Arg3005Gly; replaces arginine 3005 with glycine.
Molecular consequence: missense variant.
Genome position (GRCh38, 1-based): chr13:32,379,809, A>G. VCF-style: chr13-32379809-A-G. GRCh37 (hg19) VCF-style: chr13-32953946-A-G.
Other names: short protein forms R3005G.
Identifiers: ClinVar variation 1421003 (VCV001421003.8), dbSNP rs2137622581, ClinGen allele CA387757467.
Genomic context (GRCh38, chr13:32,379,809, plus strand): 5'-GTTATACTGAGTATTTGGCGTCCATCATCAGATTTATATTCTCTGTTAACAGAAGGAAAG[A>G]GATACAGAATTTATCATCTTGCAACTTCAAAATCTAAAAGTAAATCTGAAAGAGCTAACA-3'
Protein context (NP_000050.3, residues 2995-3015): DLYSLLTEGK[Arg3005Gly]YRIYHLATSK

ClinVar aggregate classification (germline): Uncertain significance (1 of 4 stars; one submission).

Conditions:
Hereditary breast ovarian cancer syndrome. Also called: Hereditary breast and/or ovarian cancer syndrome; BRCA1- and BRCA2-Associated Hereditary Breast and Ovarian Cancer; Hereditary breast and ovarian cancer syndrome; Hereditary breast and ovarian cancer; Hereditary breast and ovarian cancer syndrome (HBOC); Breast and ovarian cancer. Identifiers: Orphanet 145, MedGen C0677776, MeSH D061325, MONDO:0003582. Disease mechanism: loss of function.

Submission:

Labcorp Genetics (formerly Invitae), Labcorp
Classification: Uncertain significance for Hereditary breast ovarian cancer syndrome. Last evaluated: 2021-07-05. Review status: criteria provided, single submitter. Criteria: Invitae Variant Classification Sherloc (09022015). Collection method: clinical testing. Allele origin: germline.
Comment: Advanced modeling of protein sequence and biophysical properties (such as structural, functional, and spatial information, amino acid conservation, physicochemical variation, residue mobility, and thermodynamic stability) performed at Invitae indicates that this missense variant is not expected to disrupt BRCA2 protein function. This variant has been observed in individual(s) with breast and/or ovarian cancer (PMID: 29470806). This variant is not present in population databases (ExAC no frequency). In summary, the available evidence is currently insufficient to determine the role of this variant in disease. Therefore, it has been classified as a Variant of Uncertain Significance. This sequence change replaces arginine with glycine at codon 3005 of the BRCA2 protein (p.Arg3005Gly). The arginine residue is highly conserved and there is a moderate physicochemical difference between arginine and glycine.

Literature cited by the submitters: PubMed 29470806.